The following is an entry in ClinVar:

NM_006386.5(DDX17):c.1639A>C (p.Lys547Gln)

Gene: DDX17 (DEAD-box helicase 17; minus strand). Cytogenetic location: 22q13.1.
Variant type: single nucleotide variant.
Coding change: c.1639A>C on transcript NM_006386.5 (MANE Select); coding-DNA position 1639, A replaced by C.
Protein change: p.Lys547Gln; replaces lysine 547 with glutamine.
Molecular consequence: missense variant.
Genome position (GRCh38, 1-based): chr22:38,487,924, T>G on the plus strand (A>C on the coding strand, the complement: DDX17 is on the minus strand). VCF-style: chr22-38487924-T-G. GRCh37 (hg19) VCF-style: chr22-38883929-T-G.
Other names: c.1639A>C, p.Lys547Gln (NM_001098504.2); short protein forms K547Q.
Identifiers: ClinVar variation 3378056 (VCV003378056.1).

ClinVar aggregate classification (germline): Uncertain significance (1 of 4 stars; one submission).

Submission:

GeneDx
Classification: Uncertain significance. Last evaluated: 2022-08-09. Review status: criteria provided, single submitter. Criteria: GeneDx Variant Classification Process June 2021. Collection method: clinical testing. Allele origin: germline. Affected: yes.
Comment: Not observed at significant frequency in large population cohorts (gnomAD); In silico analysis supports that this missense variant has a deleterious effect on protein structure/function; Has not been previously published as pathogenic or benign to our knowledge; Variants in candidate genes are classified as variants of uncertain significance in accordance with ACMG guidelines (Richards et al., 2015)